The following is an entry in ClinVar:

ClinVar aggregate classification (germline): Likely pathogenic (1 of 4 stars; one submission).

Allele frequency attached by ClinVar (database versions not stated): gnomAD exomes below 0.00001.
gnomAD v4.1: 1 of 1,613,508 alleles (0.000062%); highest among the groups gnomAD compares: South Asian, 0.0011%; no homozygotes.

Submission:

Labcorp Genetics (formerly Invitae), Labcorp
Classification: Likely pathogenic. Last evaluated: 2022-07-17. Review status: criteria provided, single submitter. Criteria: Invitae Variant Classification Sherloc (09022015). Collection method: clinical testing. Allele origin: germline.
Comment: This sequence change affects a donor splice site in intron 15 of the CDH23 gene. It is expected to disrupt RNA splicing. Variants that disrupt the donor or acceptor splice site typically lead to a loss of protein function (PMID: 16199547), and loss-of-function variants in CDH23 are known to be pathogenic (PMID: 11138009, 21940737). In summary, the currently available evidence indicates that the variant is pathogenic, but additional data are needed to prove that conclusively. Therefore, this variant has been classified as Likely Pathogenic. Algorithms developed to predict the effect of sequence changes on RNA splicing suggest that this variant may disrupt the consensus splice site. ClinVar contains an entry for this variant (Variation ID: 1505957). This variant has not been reported in the literature in individuals affected with CDH23-related conditions. This variant is not present in population databases (gnomAD no frequency).

Literature cited by the submitters: PubMed 16199547; PubMed 11138009; PubMed 21940737.

NM_022124.6(CDH23):c.1514+1G>A

Gene: CDH23 (cadherin related 23; plus strand). Cytogenetic location: 10q22.1.
Variant type: single nucleotide variant.
Coding change: c.1514+1G>A on transcript NM_022124.6 (MANE Select); the canonical splice donor site of the intron after coding-DNA position 1514, G replaced by A.
Molecular consequence: splice donor variant.
Genome position (GRCh38, 1-based): chr10:71,675,177, G>A. VCF-style: chr10-71675177-G-A. GRCh37 (hg19) VCF-style: chr10-73434934-G-A.
Other names: c.1514+1G>A (NM_001171930.2, NM_001171931.2).
Identifiers: ClinVar variation 1505957 (VCV001505957.6), dbSNP rs2132664539, ClinGen allele CA377129840.